The following is an entry in ClinVar:

NM_177438.3(DICER1):c.1250A>T (p.Asp417Val)

Gene: DICER1 (dicer 1, ribonuclease III; minus strand). Cytogenetic location: 14q32.13.
Variant type: single nucleotide variant.
Coding change: c.1250A>T on transcript NM_177438.3 (MANE Select); coding-DNA position 1250, A replaced by T.
Protein change: p.Asp417Val; replaces aspartic acid 417 with valine.
Molecular consequence: missense variant. On other transcripts: 5 prime UTR variant (1), non-coding transcript variant (6).
Genome position (GRCh38, 1-based): chr14:95,124,322, T>A on the plus strand (A>T on the coding strand, the complement: DICER1 is on the minus strand). VCF-style: chr14-95124322-T-A. GRCh37 (hg19) VCF-style: chr14-95590659-T-A.
Other names: c.1250A>T, p.Asp417Val (NM_001195573.1, NM_001271282.3, NM_001291628.2 and 15 more transcripts); c.968A>T, p.Asp323Val (NM_001395686.1); c.845A>T, p.Asp282Val (NM_001395687.1, NM_001395688.1, NM_001395689.1 and 3 more transcripts); c.683A>T, p.Asp228Val (NM_001395691.1); c.-319A>T (NM_001395697.1); short protein forms D228V, D282V, D323V, D417V.
Identifiers: ClinVar variation 1716091 (VCV001716091.7), dbSNP rs1893199207, ClinGen allele CA390886502.

ClinVar aggregate classification (germline): Uncertain significance. Review status: criteria provided, multiple submitters, no conflicts (2 of 4 stars). 2 submissions from 2 submitters: Uncertain significance (2). Last evaluated 2025-02-26.

Conditions:
DICER1-related tumor predisposition. Also called: DICER1 syndrome; DICER1-related pleuropulmonary blastoma cancer predisposition syndrome. Identifiers: Orphanet 284343, MedGen C3839822, MONDO:0100216.
Hereditary cancer-predisposing syndrome. Also called: Hereditary neoplastic syndrome; Tumor predisposition; Neoplastic Syndromes, Hereditary; Hereditary Cancer Syndrome. Identifiers: Orphanet 140162, MedGen C0027672, MeSH D009386, MONDO:0015356.

Submissions (2):

Labcorp Genetics (formerly Invitae), Labcorp
Classification: Uncertain significance for DICER1-related tumor predisposition. Last evaluated: 2025-02-26. Review status: criteria provided, single submitter. Criteria: Invitae Variant Classification Sherloc (09022015). Collection method: clinical testing. Allele origin: germline.
Comment: This sequence change replaces aspartic acid, which is acidic and polar, with valine, which is neutral and non-polar, at codon 417 of the DICER1 protein (p.Asp417Val). This variant is not present in population databases (gnomAD no frequency). This variant has not been reported in the literature in individuals affected with DICER1-related conditions. ClinVar contains an entry for this variant (Variation ID: 1716091). Invitae Evidence Modeling of protein sequence and biophysical properties (such as structural, functional, and spatial information, amino acid conservation, physicochemical variation, residue mobility, and thermodynamic stability) indicates that this missense variant is not expected to disrupt DICER1 protein function with a negative predictive value of 95%. In summary, the available evidence is currently insufficient to determine the role of this variant in disease. Therefore, it has been classified as a Variant of Uncertain Significance.

Ambry Genetics
Classification: Uncertain significance for Hereditary cancer-predisposing syndrome. Last evaluated: 2024-12-23. Review status: criteria provided, single submitter. Criteria: Ambry Variant Classification Scheme 2023. Collection method: clinical testing. Allele origin: germline.
Comment: The p.D417V variant (also known as c.1250A>T), located in coding exon 7 of the DICER1 gene, results from an A to T substitution at nucleotide position 1250. The aspartic acid at codon 417 is replaced by valine, an amino acid with highly dissimilar properties. This amino acid position is conserved. In addition, this alteration is predicted to be tolerated by in silico analysis. Based on the available evidence, the clinical significance of this variant remains unclear.